The following is an entry in ClinVar:

NM_001367561.1(DOCK7):c.4924-3C>T

Gene: DOCK7 (dedicator of cytokinesis 7; minus strand). Cytogenetic location: 1p31.3.
Variant type: single nucleotide variant.
Coding change: c.4924-3C>T on transcript NM_001367561.1 (MANE Select); 3 bases into the intron before coding-DNA position 4924, C replaced by T.
Molecular consequence: intron variant.
Genome position (GRCh38, 1-based): chr1:62,495,684, G>A on the plus strand (C>T on the coding strand, the complement: DOCK7 is on the minus strand). VCF-style: chr1-62495684-G-A. GRCh37 (hg19) VCF-style: chr1-62961355-G-A.
Other names: c.4804-3C>T (NM_001272001.2, NM_001272000.2); c.4831-3C>T (NM_033407.4); c.4897-3C>T (NM_001271999.2, NM_001330614.2).
Identifiers: ClinVar variation 1485569 (VCV001485569.6), dbSNP rs2149301830, ClinGen allele CA2573132581.
Genomic context (GRCh38, chr1:62,495,684, plus strand): 5'-CCTTCATTTTCACAGTATCAGAAAGAATCATATGGAGATTGAAAACCAGATCCTGGACCT[G>A]CAGCAGAGAATTATATGAAAAACATTCTTGAATTGTCATTCATCCATAATCACCAAATTA-3'

ClinVar aggregate classification (germline): Uncertain significance (1 of 4 stars; one submission).

Conditions:
Developmental and epileptic encephalopathy, 23 (DEE23). Also called: Epileptic encephalopathy, early infantile, 23. Identifiers: Orphanet 411986, MedGen C4014492, MONDO:0014371, OMIM 615859.

Submission:

Labcorp Genetics (formerly Invitae), Labcorp
Classification: Uncertain significance for Developmental and epileptic encephalopathy, 23. Last evaluated: 2026-01-11. Review status: criteria provided, single submitter. Criteria: Invitae Variant Classification Sherloc (09022015). Collection method: clinical testing. Allele origin: germline.
Comment: This sequence change falls in intron 38 of the DOCK7 gene. It does not directly change the encoded amino acid sequence of the DOCK7 protein. It affects a nucleotide within the consensus splice site. This variant is not present in population databases (gnomAD no frequency). This variant has not been reported in the literature in individuals affected with DOCK7-related conditions. ClinVar contains an entry for this variant (Variation ID: 1485569). Variants that disrupt the consensus splice site are a relatively common cause of aberrant splicing (PMID: 17576681, 9536098). Algorithms developed to predict the effect of sequence changes on RNA splicing suggest that this variant is not likely to affect RNA splicing. In summary, the available evidence is currently insufficient to determine the role of this variant in disease. Therefore, it has been classified as a Variant of Uncertain Significance.

Literature cited by the submitters: PubMed 17576681; PubMed 9536098.